The following is an entry in ClinVar:

ClinVar aggregate classification (germline): Pathogenic. Review status: criteria provided, multiple submitters, no conflicts (2 of 4 stars). 3 submissions from 3 submitters: Pathogenic (3). Last evaluated 2025-08-06.

Conditions:
Early-infantile DEE. Also called: Early infantile epileptic encephalopathy with suppression bursts; Early infantile epileptic encephalopathy; Ohtahara syndrome. Identifiers: Orphanet 1934, MedGen C0393706, MONDO:0800491.
Severe myoclonic epilepsy in infancy (DRVT). Also called: Epileptic encephalopathy, early infantile, 6 (Dravet syndrome); Severe Myoclonic Epilepsy in Infancy (SMEI); Dravet syndrome; SEVERE MYOCLONIC EPILEPSY OF INFANCY; DEVELOPMENTAL AND EPILEPTIC ENCEPHALOPATHY 6A. Identifiers: Orphanet 33069, MedGen C0751122, MONDO:0100135, OMIM 607208.

Submissions (3):

Institute of Human Genetics, University of Leipzig Medical Center
Classification: Pathogenic for Severe myoclonic epilepsy in infancy. Last evaluated: 2025-08-06. Review status: criteria provided, single submitter. Criteria: ACMG Guidelines, 2015. Collection method: clinical testing. Allele origin: unknown. Inheritance: Autosomal dominant inheritance. Affected: yes.
Comment: Criteria applied: PVS1_STR,PS2,PS4,PM2_SUP

Labcorp Genetics (formerly Invitae), Labcorp
Classification: Pathogenic for Early-infantile DEE. Last evaluated: 2022-11-19. Review status: criteria provided, single submitter. Criteria: Invitae Variant Classification Sherloc (09022015). Collection method: clinical testing. Allele origin: germline.
Comment: For these reasons, this variant has been classified as Pathogenic. ClinVar contains an entry for this variant (Variation ID: 217248). This premature translational stop signal has been observed in individual(s) with SCN1A-related conditions (PMID: 17347258, 28202706). In at least one individual the variant was observed to be de novo. This variant is not present in population databases (gnomAD no frequency). This sequence change creates a premature translational stop signal (p.Trp1812*) in the SCN1A gene. While this is not anticipated to result in nonsense mediated decay, it is expected to disrupt the last 198 amino acid(s) of the SCN1A protein.

Athena Diagnostics
Classification: Pathogenic for Severe myoclonic epilepsy in infancy. Last evaluated: 2014-11-25. Review status: criteria provided, single submitter. Criteria: Athena Diagnostics Criteria. Collection method: clinical testing. Allele origin: germline. Inheritance: Autosomal dominant inheritance.

Literature cited by the submitters: PubMed 17347258 (cited by Labcorp Genetics (formerly Invitae), Labcorp and Athena Diagnostics); PubMed 28202706 (cited by Labcorp Genetics (formerly Invitae), Labcorp); PubMed 22409937 (cited by Athena Diagnostics).

NM_001165963.4(SCN1A):c.5436G>A (p.Trp1812Ter)

Genes: SCN1A (sodium voltage-gated channel alpha subunit 1; minus strand), LOC102724058 (uncharacterized LOC102724058; plus strand). Cytogenetic location: 2q24.3.
Variant type: single nucleotide variant.
Coding change: c.5436G>A on transcript NM_001165963.4 (MANE Select); coding-DNA position 5436, G replaced by A.
Protein change: p.Trp1812Ter; replaces tryptophan 1812 with a stop codon.
Molecular consequence: nonsense. On other transcripts: non-coding transcript variant (1).
Genome position (GRCh38, 1-based): chr2:165,991,839, C>T on the plus strand (G>A on the coding strand, the complement: SCN1A is on the minus strand). VCF-style: chr2-165991839-C-T. GRCh37 (hg19) VCF-style: chr2-166848349-C-T.
Other names: c.5352G>A, p.Trp1784Ter (NM_001165964.3, NM_001353957.2, NM_001353958.2); c.5436G>A, p.Trp1812Ter (NM_001202435.3, NM_001353948.2); c.5403G>A, p.Trp1801Ter (NM_001353949.2, NM_001353950.2, NM_001353951.2 and 2 more transcripts); c.5400G>A, p.Trp1800Ter (NM_001353954.2, NM_001353955.2); c.5349G>A, p.Trp1783Ter (NM_001353960.2); c.2994G>A, p.Trp998Ter (NM_001353961.2); short protein forms W1801*, W1812*, W1783*, W1784*, W1800*, W998*.
Identifiers: ClinVar variation 217248 (VCV000217248.5), dbSNP rs863225037, ClinGen allele CA325468.
Genomic context (GRCh38, chr2:165,991,839, plus strand): 5'-TGCAAACTGAGATAATTTTTCAAATTCCATGAACTGAGTTGCATCGGGATCAAACTTCTC[C>T]CAAACCTCATAGAACATCTCAAAGTCATCCTCACTCAGAGGCTCTGCACTTTCTTCAGTA-3'